The following is an entry in ClinVar:

ClinVar aggregate classification (germline): Likely benign. Review status: criteria provided, multiple submitters, no conflicts (2 of 4 stars). 3 submissions from 3 submitters: Likely benign (3). Last evaluated 2024-11-11.

Conditions:
CHARGE syndrome (CHARGE). Also called: Coloboma, heart anomaly, choanal atresia, retardation, genital and ear anomalies; CHARGE association; Hall-Hittner syndrome; Hittner Hirsch Kreh syndrome; CHARGE ASSOCIATION--COLOBOMA, HEART ANOMALY, CHOANAL ATRESIA, RETARDATION, GENITAL AND EAR ANOMALIES. Identifiers: Orphanet 138, MedGen C0265354, MONDO:0008965.

Allele frequency attached by ClinVar (database versions not stated): gnomAD exomes 0.00001; ExAC 0.00002; TOPMed 0.00002; gnomAD 0.00003; 1000 Genomes Project 30x 0.00016; 1000 Genomes Project 0.00020.
gnomAD v4.1: 22 of 1,606,316 alleles (0.0014%); highest among the groups gnomAD compares: Middle Eastern, 0.033%; no homozygotes.

Submissions (3):

Labcorp Genetics (formerly Invitae), Labcorp
Classification: Likely benign for CHARGE syndrome. Last evaluated: 2024-11-11. Review status: criteria provided, single submitter. Criteria: Invitae Variant Classification Sherloc (09022015). Collection method: clinical testing. Allele origin: germline.

CeGaT Center for Human Genetics Tuebingen
Classification: Likely benign. Last evaluated: 2024-01-01. Review status: criteria provided, single submitter. Criteria: CeGaT Center For Human Genetics Tuebingen Variant Classification Criteria Version 2. Collection method: clinical testing. Allele origin: germline. Affected: yes. Observed: 1 variant allele.
Comment: CHD7: BP4

Breakthrough Genomics
Classification: Likely benign. Review status: criteria provided, single submitter. Criteria: ACMG Guidelines, 2015. Collection method: not provided. Allele origin: germline. Inheritance: Autosomal dominant inheritance. Affected: yes.

NM_017780.4(CHD7):c.2097-20C>T

Gene: CHD7 (chromodomain helicase DNA binding protein 7; plus strand). Cytogenetic location: 8q12.2.
Variant type: single nucleotide variant.
Coding change: c.2097-20C>T on transcript NM_017780.4 (MANE Select); 20 bases into the intron before coding-DNA position 2097, C replaced by T.
Molecular consequence: intron variant.
Genome position (GRCh38, 1-based): chr8:60,794,966, C>T. VCF-style: chr8-60794966-C-T. GRCh37 (hg19) VCF-style: chr8-61707525-C-T.
Other names: c.1716+13916C>T (NM_001316690.1).
Identifiers: ClinVar variation 1618771 (VCV001618771.31), dbSNP rs569155117, ClinGen allele CA4759615.